The following is an entry in ClinVar:

ClinVar aggregate classification (germline): Pathogenic/Likely pathogenic. Review status: criteria provided, multiple submitters, no conflicts (2 of 4 stars). 3 submissions from 3 submitters: Pathogenic (1); Likely pathogenic (1). 1 of the submissions does not count toward it. Last evaluated 2025-11-08.

Conditions:
Ornithine carbamoyltransferase deficiency (OTCD). Also called: OTC DEFICIENCY; Ornithine Carbamoyltransferase Deficiency Disease; ORNITHINE TRANSCARBAMYLASE DEFICIENCY; ORNITHINE TRANSCARBAMYLASE DEFICIENCY, HYPERAMMONEMIA DUE TO. Identifiers: Orphanet 664, MedGen C0268542, MONDO:0010703, OMIM 311250.

Submissions (3):

Variantyx, Inc.
Classification: Likely pathogenic for Ornithine carbamoyltransferase deficiency. Last evaluated: 2025-11-08. Review status: criteria provided, single submitter. Criteria: Variantyx Assertion Criteria 2022. Collection method: clinical testing. Allele origin: maternal. Inheritance: X-linked inheritance. Affected: yes.
Comment: This is a nonsynonymous variant in the OTC gene (OMIM: 300461). Pathogenic variants in this gene have been associated with X-linked ornithine transcarbamylase deficiency (PMID: 10946359, 16786505, 11793468). An alternate amino acid change at this position (p.Pro158Arg) has been reported in affected individuals; however, its pathogenicity has not been established. Multiple computational algorithms predict a deleterious effect for this variant (REVEL score: 0.975) (PP3). This variant is absent from control populations (PM2). Based on the current evidence, this variant is classified as likely pathogenic for X-linked ornithine transcarbamylase deficiency.

Labcorp Genetics (formerly Invitae), Labcorp
Classification: Pathogenic for Ornithine carbamoyltransferase deficiency. Last evaluated: 2025-10-01. Review status: criteria provided, single submitter. Criteria: Invitae Variant Classification Sherloc (09022015). Collection method: clinical testing. Allele origin: germline.
Comment: This sequence change replaces proline, which is neutral and non-polar, with leucine, which is neutral and non-polar, at codon 158 of the OTC protein (p.Pro158Leu). This variant is not present in population databases (gnomAD no frequency). This missense change has been observed in individual(s) with clinical features of ornithine transcarbamylase deficiency (PMID: 34014569; internal data). In at least one individual the variant was observed to be de novo. ClinVar contains an entry for this variant (Variation ID: 870322). Invitae Evidence Modeling of protein sequence and biophysical properties (such as structural, functional, and spatial information, amino acid conservation, physicochemical variation, residue mobility, and thermodynamic stability) indicates that this missense variant is expected to disrupt OTC protein function with a positive predictive value of 95%. This variant disrupts the p.Pro158 amino acid residue in OTC. Other variant(s) that disrupt this residue have been observed in individuals with OTC-related conditions (PMID: 23278509; internal data), which suggests that this may be a clinically significant amino acid residue. For these reasons, this variant has been classified as Pathogenic.

Molecular Genetics laboratory, Necker Hospital
Classification: Pathogenic for Ornithine carbamoyltransferase deficiency. Review status: no assertion criteria provided. Collection method: clinical testing. Allele origin: maternal. Inheritance: X-linked inheritance. Affected: yes. Not counted in ClinVar's aggregate classification.
Comment: 2 boys with a neonatal form

Literature cited by the submitters: PubMed 10946359 (cited by Variantyx, Inc.); PubMed 16786505 (cited by Variantyx, Inc.); PubMed 11793468 (cited by Variantyx, Inc.); PubMed 34014569 (cited by Labcorp Genetics (formerly Invitae), Labcorp); PubMed 23278509 (cited by Labcorp Genetics (formerly Invitae), Labcorp).

NM_000531.6(OTC):c.473C>T (p.Pro158Leu)

Gene: OTC (ornithine transcarbamylase; plus strand). Cytogenetic location: Xp11.4.
Variant type: single nucleotide variant.
Coding change: c.473C>T on transcript NM_000531.6 (MANE Select); coding-DNA position 473, C replaced by T.
Protein change: p.Pro158Leu; replaces proline 158 with leucine.
Molecular consequence: missense variant.
Genome position (GRCh38, 1-based): chrX:38,401,361, C>T. VCF-style: chrX-38401361-C-T. GRCh37 (hg19) VCF-style: chrX-38260614-C-T.
Other names: short protein forms P158L.
Identifiers: ClinVar variation 870322 (VCV000870322.4), dbSNP rs2068485732, ClinGen allele CA412723525.